The following is an entry in ClinVar:

ClinVar aggregate classification (germline): Uncertain significance (1 of 4 stars; one submission).

Allele frequency attached by ClinVar (database versions not stated): gnomAD exomes below 0.00001.

Submission:

Labcorp Genetics (formerly Invitae), Labcorp
Classification: Uncertain significance. Last evaluated: 2024-09-06. Review status: criteria provided, single submitter. Criteria: Invitae Variant Classification Sherloc (09022015). Collection method: clinical testing. Allele origin: germline.
Comment: This sequence change replaces alanine, which is neutral and non-polar, with valine, which is neutral and non-polar, at codon 256 of the MDH2 protein (p.Ala256Val). This variant is not present in population databases (gnomAD no frequency). This variant has not been reported in the literature in individuals affected with MDH2-related conditions. ClinVar contains an entry for this variant (Variation ID: 1432495). Invitae Evidence Modeling of protein sequence and biophysical properties (such as structural, functional, and spatial information, amino acid conservation, physicochemical variation, residue mobility, and thermodynamic stability) indicates that this missense variant is not expected to disrupt MDH2 protein function with a negative predictive value of 80%. In summary, the available evidence is currently insufficient to determine the role of this variant in disease. Therefore, it has been classified as a Variant of Uncertain Significance.

NM_005918.4(MDH2):c.767C>T (p.Ala256Val)

Gene: MDH2 (malate dehydrogenase 2; plus strand). Cytogenetic location: 7q11.23.
Variant type: single nucleotide variant.
Coding change: c.767C>T on transcript NM_005918.4 (MANE Select); coding-DNA position 767, C replaced by T.
Protein change: p.Ala256Val; replaces alanine 256 with valine.
Molecular consequence: missense variant.
Genome position (GRCh38, 1-based): chr7:76,064,835, C>T. VCF-style: chr7-76064835-C-T. GRCh37 (hg19) VCF-style: chr7-75694153-C-T.
Other names: c.641C>T, p.Ala214Val (NM_001282403.2); c.446C>T, p.Ala149Val (NM_001282404.2); short protein forms A214V, A149V, A256V.
Identifiers: ClinVar variation 1432495 (VCV001432495.8), dbSNP rs896425042, ClinGen allele CA367768096.